The following is an entry in ClinVar:

NM_000081.4(LYST):c.3107A>C (p.Glu1036Ala)

Gene: LYST (lysosomal trafficking regulator; minus strand). Cytogenetic location: 1q42.3.
Variant type: single nucleotide variant.
Coding change: c.3107A>C on transcript NM_000081.4 (MANE Select); coding-DNA position 3107, A replaced by C.
Protein change: p.Glu1036Ala; replaces glutamic acid 1036 with alanine.
Molecular consequence: missense variant.
Genome position (GRCh38, 1-based): chr1:235,806,029, T>G on the plus strand (A>C on the coding strand, the complement: LYST is on the minus strand). VCF-style: chr1-235806029-T-G. GRCh37 (hg19) VCF-style: chr1-235969329-T-G.
Other names: c.3107A>C, p.Glu1036Ala (NM_001301365.1); short protein forms E1036A.
Identifiers: ClinVar variation 1694319 (VCV001694319.5), dbSNP rs559751044, ClinGen allele CA1467140.
Genomic context (GRCh38, chr1:235,806,029, plus strand): 5'-TTTAGACTACCTAGTTCTGATGGTATGGGGTCACTTTTTATAGCCAAAGATAATAAATCT[T>G]CCTTCATAGTTCTCTTAGGTTGAGAAATTCTGTTTAAATCCTGGTTTTCATTTACACTTG-3'
Protein context (NP_000072.2, residues 1026-1046): RISQPKRTMK[Glu1036Ala]DLLSLAIKSD

ClinVar aggregate classification (germline): Uncertain significance. Review status: criteria provided, multiple submitters, no conflicts (2 of 4 stars). 2 submissions from 2 submitters: Uncertain significance (2). Last evaluated 2022-10-05.

Conditions:
Autoinflammatory syndrome. Identifiers: Orphanet 93665, MedGen C3890737, MONDO:0019751.
Chédiak-Higashi syndrome (CHS). Also called: Chediak-Higashi Syndrome. Identifiers: Orphanet 167, MedGen C0007965, MONDO:0008963, OMIM 214500.

Allele frequency attached by ClinVar (database versions not stated): gnomAD exomes 0.00001 and 0.00006; gnomAD 0.00004 and 0.00005; TOPMed 0.00004; ExAC 0.00006; 1000 Genomes Project 0.00020; 1000 Genomes Project 30x 0.00031.
gnomAD v4.1: 22 of 1,613,978 alleles (0.0014%); highest among the groups gnomAD compares: East Asian, 0.047%; no homozygotes.

Submissions (2):

Labcorp Genetics (formerly Invitae), Labcorp
Classification: Uncertain significance for Chédiak-Higashi syndrome. Last evaluated: 2022-10-05. Review status: criteria provided, single submitter. Criteria: Invitae Variant Classification Sherloc (09022015). Collection method: clinical testing. Allele origin: germline.
Comment: This sequence change replaces glutamic acid, which is acidic and polar, with alanine, which is neutral and non-polar, at codon 1036 of the LYST protein (p.Glu1036Ala). This variant is present in population databases (rs559751044, gnomAD 0.09%). This variant has not been reported in the literature in individuals affected with LYST-related conditions. ClinVar contains an entry for this variant (Variation ID: 1694319). Algorithms developed to predict the effect of missense changes on protein structure and function (SIFT, PolyPhen-2, Align-GVGD) all suggest that this variant is likely to be tolerated. In summary, the available evidence is currently insufficient to determine the role of this variant in disease. Therefore, it has been classified as a Variant of Uncertain Significance.

Genome Diagnostics Laboratory, The Hospital for Sick Children
Classification: Uncertain significance for Autoinflammatory syndrome. Last evaluated: 2018-05-01. Review status: criteria provided, single submitter. Criteria: ACMG Guidelines, 2015. Collection method: clinical testing. Allele origin: germline. Affected: yes.